The following is an entry in ClinVar:

NM_016306.6(DNAJB11):c.835C>T (p.His279Tyr)

Gene: DNAJB11 (DnaJ heat shock protein family (Hsp40) member B11; plus strand). Cytogenetic location: 3q27.3.
Variant type: single nucleotide variant.
Coding change: c.835C>T on transcript NM_016306.6 (MANE Select); coding-DNA position 835, C replaced by T.
Protein change: p.His279Tyr; replaces histidine 279 with tyrosine.
Molecular consequence: missense variant. On other transcripts: non-coding transcript variant (5).
Genome position (GRCh38, 1-based): chr3:186,583,959, C>T. VCF-style: chr3-186583959-C-T. GRCh37 (hg19) VCF-style: chr3-186301748-C-T.
Other names: c.559C>T, p.His187Tyr (NM_001378451.1); short protein forms H187Y, H279Y.
Identifiers: ClinVar variation 2901479 (VCV002901479.3), dbSNP rs567082628, ClinGen allele CA89646272.

ClinVar aggregate classification (germline): Uncertain significance (1 of 4 stars; one submission).

Allele frequency attached by ClinVar (database versions not stated): 1000 Genomes Project 0.00020; gnomAD exomes below 0.00001; 1000 Genomes Project 30x 0.00016; gnomAD 0.00001.
gnomAD v4.1: 3 of 1,612,200 alleles (0.00019%); highest among the groups gnomAD compares: Admixed American, 0.0033%; no homozygotes.

Submission:

Labcorp Genetics (formerly Invitae), Labcorp
Classification: Uncertain significance. Last evaluated: 2025-02-24. Review status: criteria provided, single submitter. Criteria: Invitae Variant Classification Sherloc (09022015). Collection method: clinical testing. Allele origin: germline.
Comment: This sequence change replaces histidine, which is basic and polar, with tyrosine, which is neutral and polar, at codon 279 of the DNAJB11 protein (p.His279Tyr). This variant is present in population databases (rs567082628, gnomAD 0.006%). This variant has not been reported in the literature in individuals affected with DNAJB11-related conditions. ClinVar contains an entry for this variant (Variation ID: 2901479). Invitae Evidence Modeling of protein sequence and biophysical properties (such as structural, functional, and spatial information, amino acid conservation, physicochemical variation, residue mobility, and thermodynamic stability) indicates that this missense variant is expected to disrupt DNAJB11 protein function with a positive predictive value of 80%. In summary, the available evidence is currently insufficient to determine the role of this variant in disease. Therefore, it has been classified as a Variant of Uncertain Significance.